The following is an entry in ClinVar:

NM_001754.5(RUNX1):c.614-16C>G

Gene: RUNX1 (RUNX family transcription factor 1; minus strand). Cytogenetic location: 21q22.12.
Variant type: single nucleotide variant.
Coding change: c.614-16C>G on transcript NM_001754.5 (MANE Select); 16 bases into the intron before coding-DNA position 614, C replaced by G.
Molecular consequence: intron variant.
Genome position (GRCh38, 1-based): chr21:34,834,617, G>C on the plus strand (C>G on the coding strand, the complement: RUNX1 is on the minus strand). VCF-style: chr21-34834617-G-C. GRCh37 (hg19) VCF-style: chr21-36206914-G-C.
Other names: c.533-16C>G (NM_001001890.3, NM_001122607.2).
Identifiers: ClinVar variation 1595929 (VCV001595929.9), dbSNP rs2146077389, ClinGen allele CA2573157354.

ClinVar aggregate classification (germline): Likely benign. Review status: reviewed by expert panel (3 of 4 stars). 2 submissions from 2 submitters: Likely benign (1). 1 of the submissions does not count toward it. Last evaluated 2025-01-15.

Conditions:
Hereditary thrombocytopenia and hematologic cancer predisposition syndrome. Identifiers: Orphanet 71290, MedGen CN281654, MONDO:0011071.
Hereditary thrombocytopenia and hematological cancer predisposition syndrome associated with RUNX1. Also called: RUNX1 Familial Platelet Disorder with Associated Myeloid Malignancies; Familial Platelet Disorder with Propensity to Acute Myelogenous Leukemia; Familial thrombocytopenia with propensity to acute myelogenous leukemia; PLATELET DISORDER, ASPIRIN-LIKE. Identifiers: Orphanet 71290, MedGen C1832388, MeSH C563324, MONDO:0100083, OMIM 601399.

gnomAD v4.1: 1 of 1,579,606 alleles (0.000063%); highest among the groups gnomAD compares: Non-Finnish European, 0.000087%; no homozygotes.

Submissions (2):

ClinGen Myeloid Malignancy Variant Curation Expert Panel
Classification: Likely benign for Hereditary thrombocytopenia and hematologic cancer predisposition syndrome. Last evaluated: 2025-01-15. Review status: reviewed by expert panel. Criteria: ClinGen MyeloMalig ACMG Specifications v2. Collection method: curation. Allele origin: germline. Inheritance: Autosomal dominant inheritance.
Comment: NM_001754.5(RUNX1):c.614-16C>G is an intronic variant which has a SpliceAI score ≤ 0.20 (0.0) (BP4). This variant has a SpliceAI score ≤ 0.20 (0.0) and evolutionary conservation prediction algorithms predict the site as not being conserved (PhyloP score ≤ 2.0 (1.87) (BP7). This variant is completely absent from all population databases with at least 20x coverage for RUNX1 (PM2_Supporting). In summary, this variant meets criteria to be classified as likely benign. ACMG/AMP criteria applied, as specified by the Myeloid Malignancy Variant Curation Expert Panel for RUNX1: BP4, BP7, PM2_supporting.

Labcorp Genetics (formerly Invitae), Labcorp
Classification: Likely benign for Hereditary thrombocytopenia and hematological cancer predisposition syndrome associated with RUNX1. Last evaluated: 2022-07-06. Review status: criteria provided, single submitter. Criteria: Invitae Variant Classification Sherloc (09022015). Collection method: clinical testing. Allele origin: germline. Not counted in ClinVar's aggregate classification.